The following is an entry in ClinVar:

NM_024675.4(PALB2):c.2804C>A (p.Ala935Asp)

Gene: PALB2 (partner and localizer of BRCA2; minus strand). Cytogenetic location: 16p12.2.
Variant type: single nucleotide variant.
Coding change: c.2804C>A on transcript NM_024675.4 (MANE Select); coding-DNA position 2804, C replaced by A.
Protein change: p.Ala935Asp; replaces alanine 935 with aspartic acid.
Molecular consequence: missense variant.
Genome position (GRCh38, 1-based): chr16:23,624,039, G>T on the plus strand (C>A on the coding strand, the complement: PALB2 is on the minus strand). VCF-style: chr16-23624039-G-T. GRCh37 (hg19) VCF-style: chr16-23635360-G-T.
Other names: c.2804C>A, p.Ala935Asp (NM_001407300.1, NM_001407301.1, NM_001407299.1); c.2642C>A, p.Ala881Asp (NM_001407302.1, NM_001407298.1); c.1919C>A, p.Ala640Asp (NM_001407304.1, NM_001407305.1, NM_001407306.1 and 4 more transcripts); c.1757C>A, p.Ala586Asp (NM_001407307.1); c.2744C>A, p.Ala915Asp (NM_001407296.1); c.2732C>A, p.Ala911Asp (NM_001407297.1); c.1016C>A, p.Ala339Asp (NM_001407312.1, NM_001407313.1); c.338C>A, p.Ala113Asp (NM_001407314.1); short protein forms A113D, A339D, A586D, A640D, A881D, A911D, A915D, A935D.
Identifiers: ClinVar variation 4861468 (VCV004861468.1).

ClinVar aggregate classification (germline): Uncertain significance (1 of 4 stars; one submission).

Conditions:
Hereditary cancer-predisposing syndrome. Also called: Neoplastic Syndromes, Hereditary; Tumor predisposition; Hereditary Cancer Syndrome; Hereditary neoplastic syndrome. Identifiers: Orphanet 140162, MedGen C0027672, MeSH D009386, MONDO:0015356.

Submission:

Ambry Genetics
Classification: Uncertain significance for Hereditary cancer-predisposing syndrome. Last evaluated: 2026-05-24. Review status: criteria provided, single submitter. Criteria: Ambry Variant Classification Scheme 2023. Collection method: clinical testing. Allele origin: germline.
Comment: The p.A935D variant (also known as c.2804C>A), located in coding exon 8 of the PALB2 gene, results from a C to A substitution at nucleotide position 2804. The alanine at codon 935 is replaced by aspartic acid, an amino acid with dissimilar properties. This amino acid position is conserved. In addition, this alteration is predicted to be deleterious by in silico analysis. Based on the available evidence, the clinical significance of this variant remains unclear.